The following is an entry in ClinVar:

NM_001199107.2(TBC1D24):c.1574del (p.Gly525fs)

Gene: TBC1D24 (TBC1 domain family member 24; plus strand). Cytogenetic location: 16p13.3.
Variant type: Deletion.
Coding change: c.1574del on transcript NM_001199107.2 (MANE Select); coding-DNA position 1574, one base deleted (G; older notation c.1574delG).
Protein change: p.Gly525fs; shifts the reading frame from glycine 525.
Molecular consequence: frameshift variant.
Genome position (GRCh38, 1-based): chr16:2,500,852, G deleted; the last of 4 consecutive G bases (chr16:2,500,849-2,500,852); deleting any one gives the same sequence. VCF-style (leftmost placement, unchanged base first): chr16-2500848-CG-C. GRCh37 (hg19) VCF-style: chr16-2550849-CG-C.
Other names: c.1556del, p.Gly519fs (NM_020705.3); short protein forms G519fs, G525fs.
Identifiers: ClinVar variation 2035641 (VCV002035641.4), dbSNP rs2505528990, ClinGen allele CA2580091063.

ClinVar aggregate classification (germline): Pathogenic (1 of 4 stars; one submission).

Conditions:
Developmental and epileptic encephalopathy, 1 (DEE1). Also called: X-linked infantile spasms; West's syndrome; Tonic spasms with clustering, arrest of psychomotor development and hypsarrhythmia on EEG; X-Linked Infantile Spasm Syndrome; OHTAHARA SYNDROME, X-LINKED; INFANTILE SPASM SYNDROME, X-LINKED 1. Identifiers: MedGen C3463992, MONDO:0010632, OMIM 308350. Disease mechanism: loss of function.
Autosomal dominant nonsyndromic hearing loss 65. Also called: Deafness, autosomal dominant 65; TBC1D24-Related Autosomal Dominant Nonsyndromic Hearing Loss (DFNA). Identifiers: Orphanet 90635, MedGen C3892048, MONDO:0014470, OMIM 616044.

Submission:

Labcorp Genetics (formerly Invitae), Labcorp
Classification: Pathogenic for Developmental and epileptic encephalopathy, 1; Autosomal dominant nonsyndromic hearing loss 65. Last evaluated: 2022-10-14. Review status: criteria provided, single submitter. Criteria: Invitae Variant Classification Sherloc (09022015). Collection method: clinical testing. Allele origin: germline.
Comment: This variant is not present in population databases (gnomAD no frequency). This sequence change results in a frameshift in the TBC1D24 gene (p.Gly525Alafs*43). While this is not anticipated to result in nonsense mediated decay, it is expected to disrupt the last 35 amino acid(s) of the TBC1D24 protein and extend the protein by 7 additional amino acid residues. This variant has not been reported in the literature in individuals affected with TBC1D24-related conditions. For these reasons, this variant has been classified as Pathogenic. This variant disrupts a region of the TBC1D24 protein in which other variant(s) (p.Cys530Trp) have been determined to be pathogenic (Invitae). This suggests that this is a clinically significant region of the protein, and that variants that disrupt it are likely to be disease-causing.